The following is an entry in ClinVar:

ClinVar aggregate classification (germline): Uncertain significance (1 of 4 stars; one submission).

Conditions:
Hereditary cancer-predisposing syndrome. Also called: Neoplastic Syndromes, Hereditary; Tumor predisposition; Hereditary Cancer Syndrome; Hereditary neoplastic syndrome. Identifiers: Orphanet 140162, MedGen C0027672, MeSH D009386, MONDO:0015356.

Submission:

Ambry Genetics
Classification: Uncertain significance for Hereditary cancer-predisposing syndrome. Last evaluated: 2025-11-04. Review status: criteria provided, single submitter. Criteria: Ambry Variant Classification Scheme 2023. Collection method: clinical testing. Allele origin: germline.
Comment: The p.R940K variant (also known as c.2819G>A), located in coding exon 20 of the PDGFRA gene, results from a G to A substitution at nucleotide position 2819. The arginine at codon 940 is replaced by lysine, an amino acid with highly similar properties. This amino acid position is conserved. In addition, this alteration is predicted to be deleterious by in silico analysis. Based on the available evidence, the clinical significance of this variant remains unclear.

NM_006206.6(PDGFRA):c.2819G>A (p.Arg940Lys)

Gene: PDGFRA (platelet derived growth factor receptor alpha; plus strand). Cytogenetic location: 4q12.
Variant type: single nucleotide variant.
Coding change: c.2819G>A on transcript NM_006206.6 (MANE Select); coding-DNA position 2819, G replaced by A.
Protein change: p.Arg940Lys; replaces arginine 940 with lysine.
Molecular consequence: missense variant.
Genome position (GRCh38, 1-based): chr4:54,289,053, G>A. VCF-style: chr4-54289053-G-A. GRCh37 (hg19) VCF-style: chr4-55155220-G-A.
Other names: c.2894G>A, p.Arg965Lys (NM_001347828.2); c.2819G>A, p.Arg940Lys (NM_001347829.2); c.2858G>A, p.Arg953Lys (NM_001347830.2); short protein forms R940K, R953K, R965K.
Identifiers: ClinVar variation 4665321 (VCV004665321.1).